The following is an entry in ClinVar:

NM_001367561.1(DOCK7):c.2527A>T (p.Ser843Cys)

Gene: DOCK7 (dedicator of cytokinesis 7; minus strand). Cytogenetic location: 1p31.3.
Variant type: single nucleotide variant.
Coding change: c.2527A>T on transcript NM_001367561.1 (MANE Select); coding-DNA position 2527, A replaced by T.
Protein change: p.Ser843Cys; replaces serine 843 with cysteine.
Molecular consequence: missense variant.
Genome position (GRCh38, 1-based): chr1:62,555,894, T>A on the plus strand (A>T on the coding strand, the complement: DOCK7 is on the minus strand). VCF-style: chr1-62555894-T-A. GRCh37 (hg19) VCF-style: chr1-63021565-T-A.
Other names: c.2527A>T, p.Ser843Cys (NM_001271999.2, NM_001272000.2, NM_001272001.2 and 2 more transcripts); short protein forms S843C.
Identifiers: ClinVar variation 3767736 (VCV003767736.1).

ClinVar aggregate classification (germline): Uncertain significance (1 of 4 stars; one submission).

gnomAD v4.1: 1 of 1,613,980 alleles (0.000062%); highest among the groups gnomAD compares: Non-Finnish European, 0.000085%; no homozygotes.

Submission:

GeneDx
Classification: Uncertain significance. Last evaluated: 2024-09-04. Review status: criteria provided, single submitter. Criteria: GeneDx Variant Classification Process June 2021. Collection method: clinical testing. Allele origin: germline. Affected: yes.
Comment: Not observed at significant frequency in large population cohorts (gnomAD); In silico analysis indicates that this missense variant does not alter protein structure/function; Has not been previously published as pathogenic or benign to our knowledge